The following is an entry in ClinVar:

ClinVar aggregate classification (germline): Uncertain significance (1 of 4 stars; one submission).

Conditions:
KIDINS220-related disorder. Also called: KIDINS220-related condition.

gnomAD v4.1: 5 of 1,613,986 alleles (0.00031%); highest among the groups gnomAD compares: African/African-American, 0.0013%; no homozygotes.

Submission:

PreventionGenetics, part of Exact Sciences
Classification: Uncertain significance for KIDINS220-related condition. Last evaluated: 2024-12-30. Review status: criteria provided, single submitter. Criteria: ACMG Guidelines, 2015. Collection method: clinical testing. Allele origin: germline.
Comment: The KIDINS220 c.4663T>C variant is predicted to result in the amino acid substitution p.Ser1555Pro. To our knowledge, this variant has not been reported in the literature or in a large population database (gnomAD), indicating this variant is rare. At this time, the clinical significance of this variant is uncertain due to the absence of conclusive functional and genetic evidence.

NM_020738.4(KIDINS220):c.4663T>C (p.Ser1555Pro)

Gene: KIDINS220 (kinase D interacting substrate 220; minus strand). Cytogenetic location: 2p25.1.
Variant type: single nucleotide variant.
Coding change: c.4663T>C on transcript NM_020738.4 (MANE Select); coding-DNA position 4663, T replaced by C.
Protein change: p.Ser1555Pro; replaces serine 1555 with proline.
Molecular consequence: missense variant. On other transcripts: intron variant (6).
Genome position (GRCh38, 1-based): chr2:8,731,373, A>G on the plus strand (T>C on the coding strand, the complement: KIDINS220 is on the minus strand). VCF-style: chr2-8731373-A-G. GRCh37 (hg19) VCF-style: chr2-8871503-A-G.
Other names: c.4666T>C, p.Ser1556Pro (NM_001348729.2); c.4609T>C, p.Ser1537Pro (NM_001348731.2); c.4606T>C, p.Ser1536Pro (NM_001348732.2); c.4495T>C, p.Ser1499Pro (NM_001348734.2); c.4492T>C, p.Ser1498Pro (NM_001348735.2); c.4366T>C, p.Ser1456Pro (NM_001348736.2); c.3882+2071T>C (NM_001348741.2, NM_001348742.2, NM_001348743.2); c.3996+2071T>C (NM_001348738.2); and 1 more; short protein forms S1498P, S1536P, S1555P, S1456P, S1499P, S1537P, S1556P.
Identifiers: ClinVar variation 4977228 (VCV004977228.1).